The following is an entry in ClinVar:

ClinVar aggregate classification (germline): Uncertain significance (1 of 4 stars; one submission).

Allele frequency attached by ClinVar (database versions not stated): TOPMed 0.00001; gnomAD 0.00003.
gnomAD v4.1: 4 of 1,608,618 alleles (0.00025%); highest among the groups gnomAD compares: African/African-American, 0.0053%; no homozygotes.

Submission:

Labcorp Genetics (formerly Invitae), Labcorp
Classification: Uncertain significance. Last evaluated: 2023-06-27. Review status: criteria provided, single submitter. Criteria: Invitae Variant Classification Sherloc (09022015). Collection method: clinical testing. Allele origin: germline.
Comment: Algorithms developed to predict the effect of missense changes on protein structure and function output the following: SIFT: "Not Available"; PolyPhen-2: "Benign"; Align-GVGD: "Not Available". The cysteine amino acid residue is found in multiple mammalian species, which suggests that this missense change does not adversely affect protein function. In summary, the available evidence is currently insufficient to determine the role of this variant in disease. Therefore, it has been classified as a Variant of Uncertain Significance. This variant has not been reported in the literature in individuals affected with KIF23-related conditions. This variant is present in population databases (no rsID available, gnomAD 0.008%). This sequence change replaces tyrosine, which is neutral and polar, with cysteine, which is neutral and slightly polar, at codon 694 of the KIF23 protein (p.Tyr694Cys).

NM_001367805.3(KIF23):c.2123A>G (p.Tyr708Cys)

Gene: KIF23 (kinesin family member 23; plus strand). Cytogenetic location: 15q23.
Variant type: single nucleotide variant.
Coding change: c.2123A>G on transcript NM_001367805.3 (MANE Select); coding-DNA position 2123, A replaced by G.
Protein change: p.Tyr708Cys; replaces tyrosine 708 with cysteine.
Molecular consequence: missense variant. On other transcripts: non-coding transcript variant (1), intron variant (1).
Genome position (GRCh38, 1-based): chr15:69,440,781, A>G. VCF-style: chr15-69440781-A-G. GRCh37 (hg19) VCF-style: chr15-69733120-A-G.
Other names: c.1751A>G, p.Tyr584Cys (NM_001281301.2); c.2081A>G, p.Tyr694Cys (NM_001367804.2, NM_138555.4); c.2067+294A>G (NM_004856.7); short protein forms Y584C, Y694C, Y708C.
Identifiers: ClinVar variation 2868586 (VCV002868586.3), dbSNP rs1484352922, ClinGen allele CA393010267.